The following is an entry in ClinVar:

ClinVar aggregate classification (germline): Likely benign (0 of 4 stars; one submission).

Conditions:
PTCD3-related disorder. Also called: PTCD3-related condition.

Allele frequency attached by ClinVar (database versions not stated): gnomAD exomes 0.00019; ExAC 0.00059; gnomAD 0.00174; 1000 Genomes Project 0.00180; 1000 Genomes Project 30x 0.00187; ESP Exome Variant Server 0.00200; TOPMed 0.00200.
gnomAD v4.1: 535 of 1,562,134 alleles (0.034%); highest among the groups gnomAD compares: African/African-American, 0.68%; 1 homozygote.

Submissions (2):

PreventionGenetics, part of Exact Sciences
Classification: Likely benign for PTCD3-related condition. Last evaluated: 2022-03-30. Review status: no assertion criteria provided. Collection method: clinical testing. Allele origin: germline.
Comment: This variant is classified as likely benign based on ACMG/AMP sequence variant interpretation guidelines (Richards et al. 2015 PMID: 25741868, with internal and published modifications).

Dr. Peter K. Rogan Lab, Western University
No classification provided (evidence only). Condition: Malignant tumor of esophagus. Review status: no classification provided. Collection method: in vitro. Allele origin: not applicable. Functional consequence: retained intron. Not counted in ClinVar's aggregate classification.

NM_017952.6(PTCD3):c.654+4A>G

Gene: PTCD3 (pentatricopeptide repeat domain 3; plus strand). Cytogenetic location: 2p11.2.
Variant type: single nucleotide variant.
Coding change: c.654+4A>G on transcript NM_017952.6 (MANE Select); 4 bases into the intron after coding-DNA position 654, A replaced by G.
Molecular consequence: intron variant.
Genome position (GRCh38, 1-based): chr2:86,121,598, A>G. VCF-style: chr2-86121598-A-G. GRCh37 (hg19) VCF-style: chr2-86348721-A-G.
Other names: NC_000002.11:g.86348721A>G.
Identifiers: ClinVar variation 3035812 (VCV003035812.3), dbSNP rs143142339, ClinGen allele CA1747160.